The following is an entry in ClinVar:

NM_001386795.1(DTNA):c.1743+2093G>A

Gene: DTNA (dystrobrevin alpha; plus strand). Cytogenetic location: 18q12.1.
Variant type: single nucleotide variant.
Coding change: c.1743+2093G>A on transcript NM_001386795.1 (MANE Select); 2093 bases into the intron after coding-DNA position 1743, G replaced by A.
Molecular consequence: intron variant. On other transcripts: synonymous variant (11).
Genome position (GRCh38, 1-based): chr18:34,866,155, G>A. VCF-style: chr18-34866155-G-A. GRCh37 (hg19) VCF-style: chr18-32446119-G-A.
Other names: c.1527G>A, p.Arg509= (NM_001198941.2, NM_001386771.1, NM_001386772.1); c.957G>A, p.Arg319= (NM_001198945.2); c.1617G>A, p.Arg539= (NM_001386770.1); c.1524G>A, p.Arg508= (NM_001386773.1, NM_001386774.1); c.1707G>A, p.Arg569= (NM_001391.5); c.1698G>A, p.Arg566= (NM_032978.7); c.1536G>A, p.Arg512= (NM_032979.5); c.573G>A, p.Arg191= (NM_032981.5); and 13 more.
Identifiers: ClinVar variation 387391 (VCV000387391.1), dbSNP rs1057522777, ClinGen allele CA16607933.

ClinVar aggregate classification (germline): Likely benign (1 of 4 stars; one submission).

Submission:

GeneDx
Classification: Likely benign. Last evaluated: 2016-07-06. Review status: criteria provided, single submitter. Criteria: GeneDx Variant Classification (06012015). Collection method: clinical testing. Allele origin: germline. Affected: yes.
Comment: This variant is considered likely benign or benign based on one or more of the following criteria: it is a conservative change, it occurs at a poorly conserved position in the protein, it is predicted to be benign by multiple in silico algorithms, and/or has population frequency not consistent with disease.